The following is an entry in ClinVar:

ClinVar aggregate classification (germline): Likely benign (1 of 4 stars; one submission).

Submission:

CeGaT Center for Human Genetics Tuebingen
Classification: Likely benign. Last evaluated: 2022-12-01. Review status: criteria provided, single submitter. Criteria: CeGaT Center For Human Genetics Tuebingen Variant Classification Criteria Version 2. Collection method: clinical testing. Allele origin: germline. Affected: yes. Observed: 1 variant allele.
Comment: ZBED5: PM2:Supporting, BP4, BP7

NM_001143667.2(ZBED5):c.270C>G (p.Val90=)

Gene: ZBED5 (zinc finger BED-type containing 5; minus strand). Cytogenetic location: 11p15.4.
Variant type: single nucleotide variant.
Coding change: c.270C>G on transcript NM_001143667.2 (MANE Select); coding-DNA position 270, C replaced by G.
Protein change: p.Val90=; no amino-acid change (valine 90 retained).
Molecular consequence: synonymous variant.
Genome position (GRCh38, 1-based): chr11:10,854,676, G>C on the plus strand (C>G on the coding strand, the complement: ZBED5 is on the minus strand). VCF-style: chr11-10854676-G-C. GRCh37 (hg19) VCF-style: chr11-10876223-G-C.
Other names: c.270C>G, p.Val90= (NM_021211.4).
Identifiers: ClinVar variation 2641606 (VCV002641606.24), dbSNP rs1848157159, ClinGen allele CA473258792.
Genomic context (GRCh38, chr11:10,854,676, plus strand): 5'-ATATTTTCTTCTTTTTGGTTTTTTACTAAATGTTATTTTGTTGGAATTGGATATAAATTT[G>C]ACCCTGGAAAGCTCACCTTCTGATTTTTTAGAAACTGAAGGTTGCAACTGCTTATCTTCA-3'
Protein context (NP_001137139.1, residues 80-100): SKKSEGELSR[Val90=]KFISNSNKIT